The following is an entry in ClinVar:

ClinVar aggregate classification (germline): Uncertain significance (1 of 4 stars; one submission).

gnomAD v4.1: 2 of 1,566,950 alleles (0.00013%); highest among the groups gnomAD compares: Non-Finnish European, 0.00017%; no homozygotes.

Submission:

GeneDx
Classification: Uncertain significance. Last evaluated: 2017-01-23. Review status: criteria provided, single submitter. Criteria: GeneDx Variant Classification (06012015). Collection method: clinical testing. Allele origin: germline. Affected: yes.
Comment: The R132G variant in the FAM20A gene has not been reported previously as a pathogenic variant, nor as a benign variant, to our knowledge. The R132G variant was not observed in approximately 6300 individuals of European and African American ancestry in the NHLBI Exome Sequencing Project, indicating it is not a common benign variant in these populations. The R132G variant is a non-conservative amino acid substitution, which is likely to impact secondary protein structure as these residues differ in polarity, charge, size and/or other properties. This substitution occurs at a position that is conserved across species. However, in silico analysis is inconsistent in its predictions as to whether or not the variant is damaging to the protein structure/function. We interpret R132G as a variant of uncertain significance.

NM_017565.4(FAM20A):c.394C>G (p.Arg132Gly)

Gene: FAM20A (FAM20A golgi associated secretory pathway pseudokinase; minus strand). Cytogenetic location: 17q24.2.
Variant type: single nucleotide variant.
Coding change: c.394C>G on transcript NM_017565.4 (MANE Select); coding-DNA position 394, C replaced by G.
Protein change: p.Arg132Gly; replaces arginine 132 with glycine.
Molecular consequence: missense variant. On other transcripts: 5 prime UTR variant (1).
Genome position (GRCh38, 1-based): chr17:68,600,273, G>C on the plus strand (C>G on the coding strand, the complement: FAM20A is on the minus strand). VCF-style: chr17-68600273-G-C. GRCh37 (hg19) VCF-style: chr17-66596414-G-C.
Other names: c.-247C>G (NM_001243746.2); short protein forms R132G.
Identifiers: ClinVar variation 392724 (VCV000392724.2), dbSNP rs763798560, ClinGen allele CA16608629.